The following is an entry in ClinVar:

NM_005445.4(SMC3):c.661C>T (p.Arg221Ter)

Gene: SMC3 (structural maintenance of chromosomes 3; plus strand). Cytogenetic location: 10q25.2.
Variant type: single nucleotide variant.
Coding change: c.661C>T on transcript NM_005445.4 (MANE Select); coding-DNA position 661, C replaced by T.
Protein change: p.Arg221Ter; replaces arginine 221 with a stop codon.
Molecular consequence: nonsense.
Genome position (GRCh38, 1-based): chr10:110,582,036, C>T. VCF-style: chr10-110582036-C-T. GRCh37 (hg19) VCF-style: chr10-112341794-C-T.
Other names: short protein forms R221*.
Identifiers: ClinVar variation 581922 (VCV000581922.7), dbSNP rs1564789897, ClinGen allele CA378376438.

ClinVar aggregate classification (germline): Pathogenic (1 of 4 stars; one submission).

Conditions:
Cornelia de Lange syndrome 3 (CDLS3). Also called: SMC3-Related Cornelia de Lange Syndrome; CORNELIA DE LANGE SYNDROME 3 WITH OR WITHOUT MIDLINE BRAIN DEFECTS. Identifiers: Orphanet 199, MedGen C1853099, MONDO:0012555, OMIM 610759.

Submission:

Labcorp Genetics (formerly Invitae), Labcorp
Classification: Pathogenic for Cornelia de Lange syndrome 3. Last evaluated: 2024-10-17. Review status: criteria provided, single submitter. Criteria: Invitae Variant Classification Sherloc (09022015). Collection method: clinical testing. Allele origin: germline.
Comment: This sequence change creates a premature translational stop signal (p.Arg221*) in the SMC3 gene. It is expected to result in an absent or disrupted protein product. Loss-of-function variants in SMC3 are known to be pathogenic (PMID: 17273969, 38297832). This variant is not present in population databases (gnomAD no frequency). This variant has not been reported in the literature in individuals affected with SMC3-related conditions. ClinVar contains an entry for this variant (Variation ID: 581922). For these reasons, this variant has been classified as Pathogenic.

Literature cited by the submitters: PubMed 17273969; PubMed 38297832.